The following is an entry in ClinVar:

ClinVar aggregate classification (germline): Uncertain significance. Review status: reviewed by expert panel (3 of 4 stars). 2 submissions from 2 submitters: Uncertain significance (1). 1 of the submissions does not count toward it. Last evaluated 2024-08-01.

Conditions:
Hereditary thrombocytopenia and hematological cancer predisposition syndrome associated with RUNX1. Also called: PLATELET DISORDER, ASPIRIN-LIKE; Familial Platelet Disorder with Propensity to Acute Myelogenous Leukemia; Familial thrombocytopenia with propensity to acute myelogenous leukemia; RUNX1 Familial Platelet Disorder with Associated Myeloid Malignancies. Identifiers: Orphanet 71290, MedGen C1832388, MeSH C563324, MONDO:0100083, OMIM 601399.
Hereditary thrombocytopenia and hematologic cancer predisposition syndrome. Identifiers: Orphanet 71290, MedGen CN281654, MONDO:0011071.

Submissions (2):

ClinGen Myeloid Malignancy Variant Curation Expert Panel
Classification: Uncertain significance for Hereditary thrombocytopenia and hematologic cancer predisposition syndrome. Last evaluated: 2024-08-01. Review status: reviewed by expert panel. Criteria: ClinGen MyeloMalig ACMG Specifications v2. Collection method: curation. Allele origin: germline. Inheritance: Autosomal dominant inheritance.
Comment: NM_001754.5:c.770C>T (p.Thr257Ile) is a missense variant located in exon 7 of RUNX1. This variant is completely absent from all population databases with at least 20x coverage for RUNX1 in gnomAD v2.1.1 and v3.1.2 (PM2_supporting). In summary, the clinical significance of this variant is uncertain. ACMG/AMP criteria applied, as specified by the Myeloid Malignancy Variant Curation Expert Panel for RUNX1: PM2_supporting.

Labcorp Genetics (formerly Invitae), Labcorp
Classification: Uncertain significance for Hereditary thrombocytopenia and hematological cancer predisposition syndrome associated with RUNX1. Last evaluated: 2024-11-04. Review status: criteria provided, single submitter. Criteria: Invitae Variant Classification Sherloc (09022015). Collection method: clinical testing. Allele origin: germline. Not counted in ClinVar's aggregate classification.
Comment: This sequence change replaces threonine, which is neutral and polar, with isoleucine, which is neutral and non-polar, at codon 257 of the RUNX1 protein (p.Thr257Ile). This variant is not present in population databases (gnomAD no frequency). This variant has not been reported in the literature in individuals affected with RUNX1-related conditions. ClinVar contains an entry for this variant (Variation ID: 464007). Invitae Evidence Modeling of protein sequence and biophysical properties (such as structural, functional, and spatial information, amino acid conservation, physicochemical variation, residue mobility, and thermodynamic stability) has been performed for this missense variant. However, the output from this modeling did not meet the statistical confidence thresholds required to predict the impact of this variant on RUNX1 protein function. In summary, the available evidence is currently insufficient to determine the role of this variant in disease. Therefore, it has been classified as a Variant of Uncertain Significance.

NM_001754.5(RUNX1):c.770C>T (p.Thr257Ile)

Gene: RUNX1 (RUNX family transcription factor 1; minus strand). Cytogenetic location: 21q22.12.
Variant type: single nucleotide variant.
Coding change: c.770C>T on transcript NM_001754.5 (MANE Select); coding-DNA position 770, C replaced by T.
Protein change: p.Thr257Ile; replaces threonine 257 with isoleucine.
Molecular consequence: missense variant.
Genome position (GRCh38, 1-based): chr21:34,834,445, G>A on the plus strand (C>T on the coding strand, the complement: RUNX1 is on the minus strand). VCF-style: chr21-34834445-G-A. GRCh37 (hg19) VCF-style: chr21-36206742-G-A.
Other names: NM_001754.5(RUNX1):c.770C>T; p.Thr257Ile; c.689C>T, p.Thr230Ile (NM_001001890.3, NM_001122607.2); short protein forms T257I, T230I.
Identifiers: ClinVar variation 464007 (VCV000464007.9), dbSNP rs1555889935, ClinGen allele CA410206725.